The following is an entry in ClinVar:

ClinVar aggregate classification (germline): Pathogenic (1 of 4 stars; one submission).

Submission:

ISCA Site 6
Classification: Pathogenic. Last evaluated: 2011-08-12. Review status: criteria provided, single submitter. Criteria: Kaminsky et al. (Genet Med. 2011). Collection method: clinical testing. Allele origin: unknown. Affected: yes. Observed: 2 variant alleles.
Comment: Copy number variation identified through the course of routine clinical cytogenomic testing in postnatal populations. Clinical assertions have been curated as described in Kaminsky et al. 2011.

GRCh38/hg38 22q11.22-11.23(chr22:22686122-23315617)x1

Genes: BCR (BCR activator of RhoGEF and GTPase; plus strand), GNAZ (G protein subunit alpha z; plus strand), IGL (immunoglobulin lambda locus; plus strand), IGLC1 (immunoglobulin lambda constant 1; plus strand), IGLC2 (immunoglobulin lambda constant 2; plus strand) and 79 more. Cytogenetic location: 22q11.22-11.23.
Variant type: copy number loss.
Change: copy number 1 (one copy instead of two) of chr22:22,686,122-23,315,617 (629.5 kb, GRCh38 coordinates, 1-based), cytogenetic band 22q11.22-11.23.
Identifiers: ClinVar variation 59286 (VCV000059286.2).